The following is an entry in ClinVar:

NM_001005242.3(PKP2):c.2001C>T (p.Ala667=)

Gene: PKP2 (plakophilin 2; minus strand). Cytogenetic location: 12p11.21.
Variant type: single nucleotide variant.
Coding change: c.2001C>T on transcript NM_001005242.3 (MANE Select); coding-DNA position 2001, C replaced by T.
Protein change: p.Ala667=; no amino-acid change (alanine 667 retained).
Molecular consequence: synonymous variant.
Genome position (GRCh38, 1-based): chr12:32,821,368, G>A on the plus strand (C>T on the coding strand, the complement: PKP2 is on the minus strand). VCF-style: chr12-32821368-G-A. GRCh37 (hg19) VCF-style: chr12-32974302-G-A.
Other names: c.2133C>T, p.Ala711= (NM_004572.4).
Identifiers: ClinVar variation 179929 (VCV000179929.33), dbSNP rs529442984, ClinGen allele CA011748.

ClinVar aggregate classification (germline): Conflicting classifications of pathogenicity. Review status: criteria provided, conflicting classifications (1 of 4 stars). 14 submissions from 14 submitters: Uncertain significance (1); Benign (3); Likely benign (6). 4 of the submissions do not count toward it. Last evaluated 2026-06-26.

Conditions:
PKP2-related disorder. Also called: PKP2-related condition.
Cardiovascular phenotype. Identifiers: MedGen CN230736.
Arrhythmogenic right ventricular cardiomyopathy (ARVD). Also called: Cardiomyopathy, ARVC; Arrhythmogenic right ventricular dysplasia; Arrhythmogenic Right Ventricular Cardiomyopathy (ARVC); Arrhythmogenic cardiomyopathy. Identifiers: Orphanet 247, MedGen C0349788, MeSH D019571, MONDO:0016587. Disease mechanism: loss of function. Inheritance: Various modes of inheritance.
Cardiomyopathy (CMYO). Also called: Cardiomyopathies. Identifiers: Orphanet 167848, MedGen C0878544, MONDO:0004994, HP:0001638. Inheritance: Various modes of inheritance.
Arrhythmogenic right ventricular dysplasia 9 (ARVD9). Also called: Arrhythmogenic Right Ventricular Dysplasia/Cardiomyopathy 9; ARRHYTHMOGENIC RIGHT VENTRICULAR DYSPLASIA, FAMILIAL, 9. Identifiers: MedGen C1836906, MONDO:0012180, OMIM 609040.

Allele frequency attached by ClinVar (database versions not stated): TOPMed 0.00003; gnomAD 0.00004 and 0.00010; gnomAD exomes 0.00020 and 0.00035; ExAC 0.00040; 1000 Genomes Project 30x 0.00078; 1000 Genomes Project 0.00100.
gnomAD v4.1: 294 of 1,613,964 alleles (0.018%); highest among the groups gnomAD compares: South Asian, 0.29%; 7 homozygotes.

Submissions (14):

PreventionGenetics, part of Exact Sciences
Classification: Likely benign for PKP2-related condition. Last evaluated: 2026-06-26. Review status: criteria provided, single submitter. Criteria: ACMG Guidelines, 2015. Collection method: clinical testing. Allele origin: germline.
Comment: This variant is classified as likely benign based on ACMG/AMP sequence variant interpretation guidelines (Richards et al. 2015 PMID: 25741868, with internal and published modifications).

Labcorp Genetics (formerly Invitae), Labcorp
Classification: Benign for Arrhythmogenic right ventricular dysplasia 9. Last evaluated: 2025-12-15. Review status: criteria provided, single submitter. Criteria: Invitae Variant Classification Sherloc (09022015). Collection method: clinical testing. Allele origin: germline.

Blueprint Genetics
Classification: Likely benign. Last evaluated: 2024-09-03. Review status: criteria provided, single submitter. Criteria: ACMG Guidelines, 2015. Collection method: clinical testing. Allele origin: germline.

All of Us Research Program, National Institutes of Health
Classification: Benign for Arrhythmogenic right ventricular cardiomyopathy. Last evaluated: 2024-08-23. Review status: criteria provided, single submitter. Criteria: ACMG Guidelines, 2015. Collection method: clinical testing. Allele origin: germline. Inheritance: Autosomal dominant inheritance. Observed: 17 variant alleles, 17 heterozygotes.
Comment: This study involves interpretation of variants in research participants for the purpose of population health screening. Participant phenotype was not available at the time of variant classification. Additional details can be found in publication PMID: 35346344, PMCID: PMC8962531

GeneDx
Classification: Likely benign. Last evaluated: 2020-10-19. Review status: criteria provided, single submitter. Criteria: GeneDx Variant Classification Process June 2021. Collection method: clinical testing. Allele origin: germline. Affected: yes.

Women's Health and Genetics/Laboratory Corporation of America, LabCorp
Classification: Likely benign. Last evaluated: 2020-02-22. Review status: criteria provided, single submitter. Criteria: LabCorp Variant Classification Summary - May 2015. Collection method: clinical testing. Allele origin: germline.

Color Diagnostics, LLC DBA Color Health
Classification: Benign for Cardiomyopathy. Last evaluated: 2018-10-18. Review status: criteria provided, single submitter. Criteria: ACMG Guidelines, 2015. Collection method: clinical testing. Allele origin: germline.

Illumina Laboratory Services, Illumina
Classification: Uncertain significance for Arrhythmogenic right ventricular dysplasia 9. Last evaluated: 2018-01-12. Review status: criteria provided, single submitter. Criteria: ICSL Variant Classification Criteria 13 December 2019. Collection method: clinical testing. Allele origin: germline.

Ambry Genetics
Classification: Likely benign for Cardiovascular phenotype. Last evaluated: 2017-07-12. Review status: criteria provided, single submitter. Criteria: Ambry Variant Classification Scheme 2023. Collection method: clinical testing. Allele origin: germline.

Laboratory for Molecular Medicine, Mass General Brigham Personalized Medicine
Classification: Likely benign. Last evaluated: 2014-08-07. Review status: criteria provided, single submitter. Criteria: LMM Criteria. Collection method: clinical testing. Allele origin: germline. Observed: 1 variant allele.
Comment: Ala711Ala in exon 10 of PKP2: This variant is not expected to have clinical sign ificance because it does not alter an amino acid residue and is not located with in the splice consensus sequence.

Clinical Genetics DNA and cytogenetics Diagnostics Lab, Erasmus MC, Erasmus Medical Center
Classification: Likely benign. Review status: no assertion criteria provided. Collection method: clinical testing. Allele origin: germline. Affected: yes. Study: VKGL Data-share Consensus. Not counted in ClinVar's aggregate classification.

Clinical Genetics, Academic Medical Center
Classification: Benign. Review status: no assertion criteria provided. Collection method: clinical testing. Allele origin: germline. Affected: yes. Study: VKGL Data-share Consensus. Not counted in ClinVar's aggregate classification.

Diagnostic Laboratory, Department of Genetics, University Medical Center Groningen
Classification: Likely benign for Arrhythmogenic right ventricular dysplasia 9. Review status: no assertion criteria provided. Collection method: clinical testing. Allele origin: germline. Affected: yes. Study: VKGL Data-share Consensus. Not counted in ClinVar's aggregate classification.

Genome Diagnostics Laboratory, University Medical Center Utrecht
Classification: Likely benign. Review status: no assertion criteria provided. Collection method: clinical testing. Allele origin: germline. Affected: yes. Study: VKGL Data-share Consensus. Not counted in ClinVar's aggregate classification.